The following is an entry in ClinVar:

ClinVar aggregate classification (germline): Pathogenic (1 of 4 stars; one submission).

Submission:

GeneDx
Classification: Pathogenic. Last evaluated: 2024-12-31. Review status: criteria provided, single submitter. Criteria: GeneDx Variant Classification Process June 2021. Collection method: clinical testing. Allele origin: germline. Affected: yes.
Comment: Canonical splice site variant predicted to result in a null allele in a gene for which loss of function is a known mechanism of disease; Not observed at significant frequency in large population cohorts (gnomAD); This variant is associated with the following publications: (PMID: 37016333, 34206215)

NM_015100.4(POGZ):c.2546-1G>A

Gene: POGZ (pogo transposable element derived with ZNF domain; minus strand). Cytogenetic location: 1q21.3.
Variant type: single nucleotide variant.
Coding change: c.2546-1G>A on transcript NM_015100.4 (MANE Select); the canonical splice acceptor site of the intron before coding-DNA position 2546, G replaced by A.
Molecular consequence: splice acceptor variant.
Genome position (GRCh38, 1-based): chr1:151,406,632, C>T on the plus strand (G>A on the coding strand, the complement: POGZ is on the minus strand). VCF-style: chr1-151406632-C-T. GRCh37 (hg19) VCF-style: chr1-151379108-C-T.
Other names: c.2360-1G>A (NM_001194938.2); c.2261-1G>A (NM_145796.4); c.2519-1G>A (NM_001194937.2); c.2567-1G>A (NM_001410860.1); c.2387-1G>A (NM_207171.2).
Identifiers: ClinVar variation 4055787 (VCV004055787.1).